The following is an entry in ClinVar:

NM_025243.4(SLC19A3):c.312del (p.Thr105fs)

Gene: SLC19A3 (solute carrier family 19 member 3; minus strand). Cytogenetic location: 2q36.3.
Variant type: Deletion.
Coding change: c.312del on transcript NM_025243.4 (MANE Select); coding-DNA position 312, one base deleted (G; older notation c.312delG).
Protein change: p.Thr105fs; shifts the reading frame from threonine 105.
Molecular consequence: frameshift variant.
Genome position (GRCh38, 1-based): chr2:227,699,403, C deleted on the plus strand (G on the coding strand, the reverse complement: SLC19A3 is on the minus strand). VCF-style (leftmost placement, unchanged base first): chr2-227699402-TC-T. GRCh37 (hg19) VCF-style: chr2-228564118-TC-T.
Other names: c.312del, p.Thr105fs (NM_001371411.1, NM_001371412.1); c.300del, p.Thr101fs (NM_001371413.1, NM_001371414.1); short protein forms T101fs, T105fs.
Identifiers: ClinVar variation 5015977 (VCV005015977.1).

ClinVar aggregate classification (germline): Pathogenic (1 of 4 stars; one submission).

Conditions:
Biotin-responsive basal ganglia disease (BTBGD). Also called: Thiamine metabolism dysfunction syndrome 2 (biotin- or thiamine-responsive encephalopathy type 2); Thiamine metabolism dysfunction syndrome type 2; Thiamine Transporter-2 Deficiency; thiamine-responsive encephalopathy; THIAMINE METABOLISM DYSFUNCTION SYNDROME 2 (BIOTIN- AND THIAMINE-RESPONSIVE TYPE). Identifiers: Orphanet 199348, Orphanet 65284, MedGen C1843807, MONDO:0011841, OMIM 607483.

Submission:

Myriad Genetics, Inc.
Classification: Pathogenic for Biotin-responsive basal ganglia disease. Last evaluated: 2026-05-30. Review status: criteria provided, single submitter. Criteria: Myriad Autosomal Dominant, Autosomal Recessive and X-Linked Classification Criteria (2023). Collection method: clinical testing. Allele origin: unknown.
Comment: NM_025243.3(SLC19A3):c.312delG(T105Pfs*5) is expected to be pathogenic in the context of biotin-thiamine-responsive basal ganglia disease. This variant is predicted to lead to an abnormal or absent protein product due to the creation of a premature termination codon in SLC19A3, a gene where loss-of-function variants are known to be pathogenic. Please note: this variant was assessed in the context of healthy population screening.